The following is an entry in ClinVar:

NM_001127208.3(TET2):c.1264G>T (p.Gly422Ter)

Genes: TET2 (tet methylcytosine dioxygenase 2; plus strand), TET2-AS1 (TET2 antisense RNA 1; minus strand). Cytogenetic location: 4q24.
Variant type: single nucleotide variant.
Coding change: c.1264G>T on transcript NM_001127208.3 (MANE Select); coding-DNA position 1264, G replaced by T.
Protein change: p.Gly422Ter; replaces glycine 422 with a stop codon.
Molecular consequence: nonsense.
Genome position (GRCh38, 1-based): chr4:105,235,206, G>T. VCF-style: chr4-105235206-G-T. GRCh37 (hg19) VCF-style: chr4-106156363-G-T.
Other names: c.1264G>T, p.Gly422Ter (NM_017628.4); short protein forms G422*.
Identifiers: ClinVar variation 3017246 (VCV003017246.3), dbSNP rs1165986811, ClinGen allele CA357794388.

ClinVar aggregate classification (germline): Pathogenic (1 of 4 stars; one submission).

Submission:

Labcorp Genetics (formerly Invitae), Labcorp
Classification: Pathogenic. Last evaluated: 2023-04-06. Review status: criteria provided, single submitter. Criteria: Invitae Variant Classification Sherloc (09022015). Collection method: clinical testing. Allele origin: germline.
Comment: For these reasons, this variant has been classified as Pathogenic. This variant has not been reported in the literature in individuals affected with TET2-related conditions. This variant is present in population databases (no rsID available, gnomAD 0.0009%). This sequence change creates a premature translational stop signal (p.Gly422*) in the TET2 gene. It is expected to result in an absent or disrupted protein product. Loss-of-function variants in TET2 are known to be pathogenic (PMID: 36066697).

Literature cited by the submitters: PubMed 36066697.